The following is an entry in ClinVar:

ClinVar aggregate classification (germline): Uncertain significance (1 of 4 stars; one submission).

Conditions:
Inborn genetic diseases. Identifiers: MedGen C0950123, MeSH D030342.

Allele frequency attached by ClinVar (database versions not stated): gnomAD exomes below 0.00001; TOPMed below 0.00001.
gnomAD v4.1: 2 of 1,610,852 alleles (0.00012%); highest among the groups gnomAD compares: Non-Finnish European, 0.00017%; no homozygotes.

Submission:

Ambry Genetics
Classification: Uncertain significance for Inborn genetic diseases. Last evaluated: 2024-02-12. Review status: criteria provided, single submitter. Criteria: Ambry Variant Classification Scheme 2023. Collection method: clinical testing. Allele origin: germline.
Comment: The p.A173V variant (also known as c.518C>T), located in coding exon 5 of the RAD51 gene, results from a C to T substitution at nucleotide position 518. The alanine at codon 173 is replaced by valine, an amino acid with similar properties. This amino acid position is conserved. In addition, the in silico prediction for this alteration is inconclusive. Based on the available evidence, the clinical significance of this alteration remains unclear.

NM_002875.5(RAD51):c.518C>T (p.Ala173Val)

Gene: RAD51 (RAD51 recombinase; plus strand). Cytogenetic location: 15q15.1.
Variant type: single nucleotide variant.
Coding change: c.518C>T on transcript NM_002875.5 (MANE Select); coding-DNA position 518, C replaced by T.
Protein change: p.Ala173Val; replaces alanine 173 with valine.
Molecular consequence: missense variant.
Genome position (GRCh38, 1-based): chr15:40,718,887, C>T. VCF-style: chr15-40718887-C-T. GRCh37 (hg19) VCF-style: chr15-41011085-C-T.
Other names: c.521C>T, p.Ala174Val (NM_001164269.2, NM_133487.4); c.518C>T, p.Ala173Val (NM_001164270.2); short protein forms A173V, A174V.
Identifiers: ClinVar variation 3222857 (VCV003222857.1), dbSNP rs1896120881, ClinGen allele CA391753653.